The following is an entry in ClinVar:

NM_001134407.3(GRIN2A):c.*1998A>T

Gene: GRIN2A (glutamate ionotropic receptor NMDA type subunit 2A; minus strand). Cytogenetic location: 16p13.2.
Variant type: single nucleotide variant.
Coding change: c.*1998A>T on transcript NM_001134407.3 (MANE Select); 1998 bases downstream of the stop codon, A replaced by T.
Molecular consequence: 3 prime UTR variant.
Genome position (GRCh38, 1-based): chr16:9,761,151, T>A on the plus strand (A>T on the coding strand, the complement: GRIN2A is on the minus strand). VCF-style: chr16-9761151-T-A. GRCh37 (hg19) VCF-style: chr16-9855008-T-A.
Other names: c.*1998A>T (NM_000833.5); c.*2204A>T (NM_001134408.2).
Identifiers: ClinVar variation 321574 (VCV000321574.29), dbSNP rs886052542, ClinGen allele CA10638776.

ClinVar aggregate classification (germline): Conflicting classifications of pathogenicity. Review status: criteria provided, conflicting classifications (1 of 4 stars). 2 submissions from 2 submitters: Uncertain significance (1); Likely benign (1). Last evaluated 2023-06-01.

Conditions:
Landau-Kleffner syndrome (FESD). Also called: EPILEPSY, FOCAL, WITH SPEECH DISORDER AND WITH OR WITHOUT MENTAL RETARDATION; APHASIA, ACQUIRED, WITH EPILEPSY. Identifiers: Orphanet 1945, Orphanet 725, Orphanet 98818, MedGen C0282512, MONDO:0009509, OMIM 245570.

Allele frequency attached by ClinVar (database versions not stated): TOPMed 0.00011; gnomAD 0.00010 and 0.00007; gnomAD exomes 0.00005.
gnomAD v4.1: 19 of 232,620 alleles (0.0082%); highest among the groups gnomAD compares: Admixed American, 0.017%; 1 homozygote.

Submissions (2):

CeGaT Center for Human Genetics Tuebingen
Classification: Likely benign. Last evaluated: 2023-06-01. Review status: criteria provided, single submitter. Criteria: CeGaT Center For Human Genetics Tuebingen Variant Classification Criteria Version 2. Collection method: clinical testing. Allele origin: germline. Affected: yes. Observed: 3 variant alleles.
Comment: GRIN2A: BS1

Illumina Laboratory Services, Illumina
Classification: Uncertain significance for Landau-Kleffner syndrome. Last evaluated: 2018-01-12. Review status: criteria provided, single submitter. Criteria: ICSL Variant Classification Criteria 13 December 2019. Collection method: clinical testing. Allele origin: germline.